The following is an entry in ClinVar:

ClinVar aggregate classification (germline): Uncertain significance. Review status: criteria provided, multiple submitters, no conflicts (2 of 4 stars). 2 submissions from 2 submitters: Uncertain significance (2). Last evaluated 2025-01-17.

Conditions:
Hereditary cancer-predisposing syndrome. Also called: Neoplastic Syndromes, Hereditary; Tumor predisposition; Hereditary neoplastic syndrome; Hereditary Cancer Syndrome. Identifiers: Orphanet 140162, MedGen C0027672, MeSH D009386, MONDO:0015356.
Bloom syndrome (BLM). Also called: Bloom-Torre-Machacek syndrome. Identifiers: Orphanet 125, MedGen C0005859, MONDO:0008876, OMIM 210900.

Submissions (2):

Ambry Genetics
Classification: Uncertain significance for Hereditary cancer-predisposing syndrome. Last evaluated: 2025-01-17. Review status: criteria provided, single submitter. Criteria: Ambry Variant Classification Scheme 2023. Collection method: clinical testing. Allele origin: germline.
Comment: The p.P758L variant (also known as c.2273C>T), located in coding exon 9 of the BLM gene, results from a C to T substitution at nucleotide position 2273. The proline at codon 758 is replaced by leucine, an amino acid with similar properties. This amino acid position is conserved. In addition, the in silico prediction for this alteration is inconclusive. Since supporting evidence is limited at this time, the clinical significance of this alteration remains unclear.

Labcorp Genetics (formerly Invitae), Labcorp
Classification: Uncertain significance for Bloom syndrome. Last evaluated: 2023-07-26. Review status: criteria provided, single submitter. Criteria: Invitae Variant Classification Sherloc (09022015). Collection method: clinical testing. Allele origin: germline.
Comment: This sequence change replaces proline, which is neutral and non-polar, with leucine, which is neutral and non-polar, at codon 758 of the BLM protein (p.Pro758Leu). This variant is not present in population databases (gnomAD no frequency). In summary, the available evidence is currently insufficient to determine the role of this variant in disease. Therefore, it has been classified as a Variant of Uncertain Significance. Advanced modeling of protein sequence and biophysical properties (such as structural, functional, and spatial information, amino acid conservation, physicochemical variation, residue mobility, and thermodynamic stability) performed at Invitae indicates that this missense variant is not expected to disrupt BLM protein function. ClinVar contains an entry for this variant (Variation ID: 1351076). This variant has not been reported in the literature in individuals affected with BLM-related conditions.

NM_000057.4(BLM):c.2273C>T (p.Pro758Leu)

Gene: BLM (BLM RecQ like helicase; plus strand). Cytogenetic location: 15q26.1.
Variant type: single nucleotide variant.
Coding change: c.2273C>T on transcript NM_000057.4 (MANE Select); coding-DNA position 2273, C replaced by T.
Protein change: p.Pro758Leu; replaces proline 758 with leucine.
Molecular consequence: missense variant.
Genome position (GRCh38, 1-based): chr15:90,766,989, C>T. VCF-style: chr15-90766989-C-T. GRCh37 (hg19) VCF-style: chr15-91310219-C-T.
Other names: c.2273C>T, p.Pro758Leu (NM_001287246.2, NM_001287247.2); c.1148C>T, p.Pro383Leu (NM_001287248.2); short protein forms P383L, P758L.
Identifiers: ClinVar variation 1351076 (VCV001351076.9), dbSNP rs2151163980, ClinGen allele CA393844937.
Genomic context (GRCh38, chr15:90,766,989, plus strand): 5'-CAGGTGATAAGACTGACTCAGAAGCTACAAATATTTACCTCCAGTTATCAAAAAAAGACC[C>T]AATCATAAAACTTCTATATGTCACTCCAGAAAAGGTTTGTATTTATATCATTATTTTAAA-3'
Protein context (NP_000048.1, residues 748-768): NIYLQLSKKD[Pro758Leu]IIKLLYVTPE